The following is an entry in ClinVar:

NM_004972.4(JAK2):c.1992+17T>C

Genes: INSL6 (insulin like 6; minus strand), JAK2 (Janus kinase 2; plus strand). Cytogenetic location: 9p24.1.
Variant type: single nucleotide variant.
Coding change: c.1992+17T>C on transcript NM_004972.4 (MANE Select); 17 bases into the intron after coding-DNA position 1992, T replaced by C.
Molecular consequence: intron variant.
Genome position (GRCh38, 1-based): chr9:5,077,597, T>C. VCF-style: chr9-5077597-T-C. GRCh37 (hg19) VCF-style: chr9-5077597-T-C.
Other names: c.1992+17T>C (NM_001322194.2, NM_001322195.2, NM_001322196.2); c.777+17T>C (NM_001322198.2, NM_001322199.2); c.1545+17T>C (NM_001322204.2).
Identifiers: ClinVar variation 3907238 (VCV003907238.2).

ClinVar aggregate classification (germline): Likely benign. Review status: criteria provided, multiple submitters, no conflicts (2 of 4 stars). 2 submissions from 2 submitters: Likely benign (2). Last evaluated 2025-06-10.

gnomAD v4.1: 14 of 1,444,814 alleles (0.00097%); highest among the groups gnomAD compares: African/African-American, 0.003%; no homozygotes.

Submissions (2):

Women's Health and Genetics/Laboratory Corporation of America, LabCorp
Classification: Likely benign. Last evaluated: 2025-06-10. Review status: criteria provided, single submitter. Criteria: LabCorp Variant Classification Summary - May 2015. Collection method: clinical testing. Allele origin: germline.
Comment: Variant summary: JAK2 c.1992+17T>C alters a nucleotide located at a position not widely known to affect splicing. Consensus agreement among computation tools predict no significant impact on normal splicing. However, these predictions have yet to be confirmed by functional studies. The frequency data for this variant in gnomAD is considered unreliable, as metrics indicate poor data quality at this position. To our knowledge, no occurrence of c.1992+17T>C in individuals affected with JAK2-Related Disorders and no experimental evidence demonstrating its impact on protein function have been reported. No submitters have cited clinical-significance assessments for this variant to ClinVar. Based on the evidence outlined above, the variant was classified as likely benign.

Blueprint Genetics
Classification: Likely benign. Last evaluated: 2024-06-07. Review status: criteria provided, single submitter. Criteria: ACMG Guidelines, 2015. Collection method: clinical testing. Allele origin: germline.

Literature cited by the submitters: PubMed 25037629 (cited by Women's Health and Genetics/Laboratory Corporation of America, LabCorp); PubMed 27069254 (cited by Women's Health and Genetics/Laboratory Corporation of America, LabCorp).